The following is an entry in ClinVar:

ClinVar aggregate classification (germline): Uncertain significance. Review status: criteria provided, multiple submitters, no conflicts (2 of 4 stars). 2 submissions from 2 submitters: Uncertain significance (2). Last evaluated 2026-02-25.

Conditions:
Alport syndrome. Also called: Hemorrhagic familial nephritis; Hemorrhagic hereditary nephritis; Congenital hereditary hematuria. Identifiers: Orphanet 63, MedGen C1567741, MONDO:0018965.

gnomAD v4.1: 1 of 1,613,400 alleles (0.000062%); highest among the groups gnomAD compares: African/African-American, 0.0013%; no homozygotes.

Submissions (2):

Myriad Genetics, Inc.
Classification: Uncertain significance for Alport syndrome. Last evaluated: 2026-02-25. Review status: criteria provided, single submitter. Criteria: Myriad Autosomal Dominant, Autosomal Recessive and X-Linked Classification Criteria (2023). Collection method: clinical testing. Allele origin: unknown.
Comment: NM_000092.4(COL4A4):c.1205G>T(G402V) is a missense variant classified as a variant of uncertain significance in the context of Alport syndrome, COL4A4-related. G402V has not been observed in cases with relevant disease. Relevant functional assessments of this variant are not available in the literature. G402V has been observed in referenced population frequency databases. In summary, there is insufficient evidence to classify NM_000092.4(COL4A4):c.1205G>T(G402V) as pathogenic or benign. Please note: this variant was assessed in the context of healthy population screening.

GeneDx
Classification: Uncertain significance. Last evaluated: 2024-06-18. Review status: criteria provided, single submitter. Criteria: GeneDx Variant Classification Process June 2021. Collection method: clinical testing. Allele origin: germline. Affected: yes.
Comment: Not observed at significant frequency in large population cohorts (gnomAD); In silico analysis supports that this missense variant has a deleterious effect on protein structure/function; Has not been previously published as pathogenic or benign to our knowledge; Affects a glycine residue in a Gly-X-Y motif in the triple helical region of the COL4A4 gene

NM_000092.5(COL4A4):c.1205G>T (p.Gly402Val)

Gene: COL4A4 (collagen type IV alpha 4 chain; minus strand). Cytogenetic location: 2q36.3.
Variant type: single nucleotide variant.
Coding change: c.1205G>T on transcript NM_000092.5 (MANE Select); coding-DNA position 1205, G replaced by T.
Protein change: p.Gly402Val; replaces glycine 402 with valine.
Molecular consequence: missense variant.
Genome position (GRCh38, 1-based): chr2:227,094,289, C>A on the plus strand (G>T on the coding strand, the complement: COL4A4 is on the minus strand). VCF-style: chr2-227094289-C-A. GRCh37 (hg19) VCF-style: chr2-227959005-C-A.
Other names: short protein forms G402V.
Identifiers: ClinVar variation 3391578 (VCV003391578.2).